The following is an entry in ClinVar:

ClinVar aggregate classification (germline): Uncertain significance. Review status: criteria provided, multiple submitters, no conflicts (2 of 4 stars). 2 submissions from 2 submitters: Uncertain significance (2). Last evaluated 2023-07-12.

Conditions:
Temtamy syndrome (TEMTYS). Also called: MENTAL RETARDATION WITH OR WITHOUT CRANIOFACIAL DYSMORPHISM, OCULAR COLOBOMA, OR ABNORMAL CORPUS CALLOSUM. Identifiers: Orphanet 1777, MedGen C1857512, MONDO:0009033, OMIM 218340.

Allele frequency attached by ClinVar (database versions not stated): ExAC 0.00002; gnomAD 0.00003 and 0.00004; gnomAD exomes 0.00003; TOPMed 0.00006; ESP Exome Variant Server 0.00008.

Submissions (2):

Mayo Clinic Laboratories, Mayo Clinic
Classification: Uncertain significance. Last evaluated: 2023-07-12. Review status: criteria provided, single submitter. Criteria: ACMG Guidelines, 2015. Collection method: clinical testing. Allele origin: germline. Observed: 1 variant allele.
Comment: PM2_moderate

Labcorp Genetics (formerly Invitae), Labcorp
Classification: Uncertain significance for Temtamy syndrome. Last evaluated: 2022-07-05. Review status: criteria provided, single submitter. Criteria: Invitae Variant Classification Sherloc (09022015). Collection method: clinical testing. Allele origin: germline.
Comment: This sequence change replaces methionine, which is neutral and non-polar, with valine, which is neutral and non-polar, at codon 110 of the C12orf57 protein (p.Met110Val). This variant is present in population databases (rs144915095, gnomAD 0.005%). This variant has not been reported in the literature in individuals affected with C12orf57-related conditions. ClinVar contains an entry for this variant (Variation ID: 647324). Algorithms developed to predict the effect of missense changes on protein structure and function are either unavailable or do not agree on the potential impact of this missense change (SIFT: "Tolerated"; PolyPhen-2: "Possibly Damaging"; Align-GVGD: "Class C0"). In summary, the available evidence is currently insufficient to determine the role of this variant in disease. Therefore, it has been classified as a Variant of Uncertain Significance.

NM_138425.4(C12orf57):c.328A>G (p.Met110Val)

Gene: C12orf57 (chromosome 12 open reading frame 57; plus strand). Cytogenetic location: 12p13.31.
Variant type: single nucleotide variant.
Coding change: c.328A>G on transcript NM_138425.4 (MANE Select); coding-DNA position 328, A replaced by G.
Protein change: p.Met110Val; replaces methionine 110 with valine.
Molecular consequence: missense variant. On other transcripts: non-coding transcript variant (1).
Genome position (GRCh38, 1-based): chr12:6,945,869, A>G. VCF-style: chr12-6945869-A-G. GRCh37 (hg19) VCF-style: chr12-7055032-A-G.
Other names: p.Met110Val; c.328A>G, p.Met110Val (NM_001301834.1); c.289A>G, p.Met97Val (NM_001301836.2); c.241A>G, p.Met81Val (NM_001301837.2); c.223A>G, p.Met75Val (NM_001301838.2); short protein forms M81V, M97V, M75V, M110V.
Identifiers: ClinVar variation 647324 (VCV000647324.9), dbSNP rs144915095, ClinGen allele CA6421355.